The following is an entry in ClinVar:

ClinVar aggregate classification (germline): Likely benign. Review status: criteria provided, multiple submitters, no conflicts (2 of 4 stars). 2 submissions from 2 submitters: Likely benign (2). Last evaluated 2024-06-26.

Allele frequency attached by ClinVar (database versions not stated): TOPMed 0.00002; gnomAD 0.00004; ExAC 0.00005; gnomAD exomes 0.00005; ESP Exome Variant Server 0.00008.
gnomAD v4.1: 83 of 1,596,136 alleles (0.0052%); highest among the groups gnomAD compares: Admixed American, 0.01%; no homozygotes.

Submissions (2):

Labcorp Genetics (formerly Invitae), Labcorp
Classification: Likely benign. Last evaluated: 2024-06-26. Review status: criteria provided, single submitter. Criteria: Invitae Variant Classification Sherloc (09022015). Collection method: clinical testing. Allele origin: germline.

CeGaT Center for Human Genetics Tuebingen
Classification: Likely benign. Last evaluated: 2023-08-01. Review status: criteria provided, single submitter. Criteria: CeGaT Center For Human Genetics Tuebingen Variant Classification Criteria Version 2. Collection method: clinical testing. Allele origin: germline. Affected: yes. Observed: 1 variant allele.
Comment: RNF13: BP4, BP7

NM_183381.3(RNF13):c.282C>T (p.Ile94=)

Gene: RNF13 (ring finger protein 13; plus strand). Cytogenetic location: 3q25.1.
Variant type: single nucleotide variant.
Coding change: c.282C>T on transcript NM_183381.3 (MANE Select); coding-DNA position 282, C replaced by T.
Protein change: p.Ile94=; no amino-acid change (isoleucine 94 retained).
Molecular consequence: synonymous variant. On other transcripts: 5 prime UTR variant (6), non-coding transcript variant (1).
Genome position (GRCh38, 1-based): chr3:149,872,115, C>T. VCF-style: chr3-149872115-C-T. GRCh37 (hg19) VCF-style: chr3-149589902-C-T.
Other names: c.282C>T, p.Ile94= (NM_001378285.1, NM_001378286.1, NM_007282.4); c.-86C>T (NM_001378287.1, NM_001378288.1, NM_001378289.1 and 2 more transcripts); c.-112C>T (NM_001378291.1).
Identifiers: ClinVar variation 1631980 (VCV001631980.34), dbSNP rs142620410, ClinGen allele CA2662943.